The following is an entry in ClinVar:

NM_001182.5(ALDH7A1):c.1207G>A (p.Asp403Asn)

Gene: ALDH7A1 (aldehyde dehydrogenase 7 family member A1; minus strand). Cytogenetic location: 5q23.2.
Variant type: single nucleotide variant.
Coding change: c.1207G>A on transcript NM_001182.5 (MANE Select); coding-DNA position 1207, G replaced by A.
Protein change: p.Asp403Asn; replaces aspartic acid 403 with asparagine.
Molecular consequence: missense variant.
Genome position (GRCh38, 1-based): chr5:126,552,131, C>T on the plus strand (G>A on the coding strand, the complement: ALDH7A1 is on the minus strand). VCF-style: chr5-126552131-C-T. GRCh37 (hg19) VCF-style: chr5-125887823-C-T.
Other names: p.D403N:GAT>AAT; c.1123G>A, p.Asp375Asn (NM_001201377.2); c.1015G>A, p.Asp339Asn (NM_001202404.2); short protein forms D403N, D339N, D375N.
Identifiers: ClinVar variation 204843 (VCV000204843.2), dbSNP rs796052262, ClinGen allele CA313193.

ClinVar aggregate classification (germline): Uncertain significance (1 of 4 stars; one submission).

Allele frequency attached by ClinVar (database versions not stated): gnomAD exomes below 0.00001.
gnomAD v4.1: 2 of 1,613,032 alleles (0.00012%); highest among the groups gnomAD compares: Non-Finnish European, 0.00017%; no homozygotes.

Submission:

GeneDx
Classification: Uncertain significance. Last evaluated: 2013-03-01. Review status: criteria provided, single submitter. Criteria: GeneDx Variant Classification (06012015). Collection method: clinical testing. Allele origin: germline. Affected: yes.
Comment: p.Asp403Asn (GAT>AAT): c.1207 G>A in exon 14 of the ALDH7A1 gene (NM_001182.3). The Asp403Asn missense change has not been published as a mutation, nor has it been reported as a benign polymorphism to our knowledge. The NHLBI ESP Exome Variant Project has not identified Asp403Asn in approximately 6,500 individuals of European or African American ethnicity, indicating that it is not a common benign variant in these populations. The amino acid substitution is non-conservative, as a negatively charged, Aspartic acid residue is replaced by an uncharged, Arginine residue. Missense mutations have been reported at nearby codons in association with pyridoxine-dependent epilepsy. However, Asp403Asn does not alter a conserved position in the protein and in-silico algorithms are not consistent in their predictions of whether it is damaging to the structure/function of the protein. Therefore, based on the currently available information, it is unclear whether Asp403Asn is a disease-causing mutation or a rare benign variant. The variant is found in EPILEPSY panel(s).